The following is an entry in ClinVar:

ClinVar aggregate classification (germline): Uncertain significance (1 of 4 stars; one submission).

Conditions:
Hypertrophic cardiomyopathy. Also called: HYPERTROPHIC MYOCARDIOPATHY. Identifiers: Orphanet 217569, MedGen C0007194, MeSH D002312, MONDO:0005045, HP:0001639.
Primary dilated cardiomyopathy (DCM). Also called: Dilated Cardiomyopathy. Identifiers: Orphanet 217604, MedGen C0007193, MeSH D002311, MONDO:0005021, HP:0001644. Inheritance: Various modes of inheritance.

gnomAD v4.1: 3 of 1,597,862 alleles (0.00019%); highest among the groups gnomAD compares: East Asian, 0.0023%; no homozygotes.

Submission:

Labcorp Genetics (formerly Invitae), Labcorp
Classification: Uncertain significance for Hypertrophic cardiomyopathy; Primary dilated cardiomyopathy. Last evaluated: 2025-12-27. Review status: criteria provided, single submitter. Criteria: Invitae Variant Classification Sherloc (09022015). Collection method: clinical testing. Allele origin: germline.
Comment: This sequence change replaces threonine, which is neutral and polar, with lysine, which is basic and polar, at codon 4 of the PDLIM3 protein (p.Thr4Lys). This variant is not present in population databases (gnomAD no frequency). This variant has not been reported in the literature in individuals affected with PDLIM3-related conditions. An algorithm developed to predict the effect of missense changes on protein structure and function (PolyPhen-2) suggests that this variant is likely to be tolerated. In summary, the available evidence is currently insufficient to determine the role of this variant in disease. Therefore, it has been classified as a Variant of Uncertain Significance.

NM_014476.6(PDLIM3):c.11C>A (p.Thr4Lys)

Gene: PDLIM3 (PDZ and LIM domain 3; minus strand). Cytogenetic location: 4q35.1.
Variant type: single nucleotide variant.
Coding change: c.11C>A on transcript NM_014476.6 (MANE Select); coding-DNA position 11, C replaced by A.
Protein change: p.Thr4Lys; replaces threonine 4 with lysine.
Molecular consequence: missense variant. On other transcripts: non-coding transcript variant (1).
Genome position (GRCh38, 1-based): chr4:185,535,424, G>T on the plus strand (C>A on the coding strand, the complement: PDLIM3 is on the minus strand). VCF-style: chr4-185535424-G-T. GRCh37 (hg19) VCF-style: chr4-186456578-G-T.
Other names: c.11C>A, p.Thr4Lys (NM_001114107.5, NM_001257962.2, NM_001257963.2); short protein forms T4K.
Identifiers: ClinVar variation 4788881 (VCV004788881.1).